The following is an entry in ClinVar:

NM_000384.3(APOB):c.9457T>C (p.Trp3153Arg)

Gene: APOB (apolipoprotein B; minus strand). Cytogenetic location: 2p24.1.
Variant type: single nucleotide variant.
Coding change: c.9457T>C on transcript NM_000384.3 (MANE Select); coding-DNA position 9457, T replaced by C.
Protein change: p.Trp3153Arg; replaces tryptophan 3153 with arginine.
Molecular consequence: missense variant.
Genome position (GRCh38, 1-based): chr2:21,007,411, A>G on the plus strand (T>C on the coding strand, the complement: APOB is on the minus strand). VCF-style: chr2-21007411-A-G. GRCh37 (hg19) VCF-style: chr2-21230283-A-G.
Other names: short protein forms W3153R.
Identifiers: ClinVar variation 927742 (VCV000927742.8), dbSNP rs761484953, ClinGen allele CA345989976.
Genomic context (GRCh38, chr2:21,007,411, plus strand): 5'-CACTTAAATCAAATGATTGCTTTGTCGTTTTCAAGAATTCCTTCAAGCCTGTTTTTTCCC[A>G]TAGAGAGAAATCTTTCAGTGGAGGAGTTGTGATTATTGTGTAAGGTAGACGCATTTCAGG-3'
Protein context (NP_000375.3, residues 3143-3163): TTPPLKDFSL[Trp3153Arg]EKTGLKEFLK

ClinVar aggregate classification (germline): Uncertain significance. Review status: criteria provided, multiple submitters, no conflicts (2 of 4 stars). 4 submissions from 4 submitters: Uncertain significance (4). Last evaluated 2025-09-24.

Conditions:
Hypercholesterolemia, autosomal dominant, type B (FHCL2). Also called: Familial Hypercholesterolemia Type B; HYPERCHOLESTEROLEMIA, FAMILIAL, DUE TO LIGAND-DEFECTIVE APOLIPOPROTEIN B; Familial hypercholesterolemia 2; APOB-Related Familial Hypercholesterolemia, Autosomal Dominant; APOLIPOPROTEIN B-100, FAMILIAL DEFECTIVE; APOLIPOPROTEIN B-100, FAMILIAL LIGAND-DEFECTIVE. Identifiers: MedGen C1704417, MONDO:0007751, OMIM 144010.
Cardiovascular phenotype. Identifiers: MedGen CN230736.
Familial hypobetalipoproteinemia 1. Also called: Hypobetalipoproteinemia, normotriglyceridemic; Acanthocytosis with hypobetalipoproteinemia; APOB-Related Familial Hypobetalipoproteinemia. Identifiers: MedGen C4551990, MONDO:0014252, OMIM 615558.

gnomAD v4.1: 9 of 1,613,948 alleles (0.00056%); highest among the groups gnomAD compares: East Asian, 0.0045%; no homozygotes.

Submissions (4):

Genesolutions, Medical Genetics Institutes, Ho Chi Minh City, Vietnam
Classification: Uncertain significance for Hypercholesterolemia, autosomal dominant, type B. Last evaluated: 2025-09-24. Review status: criteria provided, single submitter. Criteria: ACMG Guidelines, 2015. Collection method: clinical testing. Allele origin: germline. Affected: yes.

3billion
Classification: Uncertain significance for Hypercholesterolemia, autosomal dominant, type B. Last evaluated: 2025-08-19. Review status: criteria provided, single submitter. Criteria: ACMG Guidelines, 2015. Collection method: clinical testing. Allele origin: germline. Affected: yes.
Comment: The variant is observed at an extremely low frequency in the gnomAD v4.1.0 dataset (total allele frequency: <0.001%). Predicted Consequence/Location: Missense variant. The majority of the known disease-causing variants of this gene are variants expected to result in premature termination of the protein. The variant has been reported as of uncertain significance (ClinVar ID: VCV000927742; PMID: 38297435). Therefore, this variant is classified as VUS according to the recommendation of ACMG/AMP guideline.

Ambry Genetics
Classification: Uncertain significance for Cardiovascular phenotype. Last evaluated: 2023-06-21. Review status: criteria provided, single submitter. Criteria: Ambry Variant Classification Scheme 2023. Collection method: clinical testing. Allele origin: germline.
Comment: The p.W3153R variant (also known as c.9457T>C), located in coding exon 26 of the APOB gene, results from a T to C substitution at nucleotide position 9457. The tryptophan at codon 3153 is replaced by arginine, an amino acid with dissimilar properties. This amino acid position is highly conserved in available vertebrate species. In addition, the in silico prediction for this alteration is inconclusive. Since supporting evidence is limited at this time, the clinical significance of this alteration remains unclear.

Fulgent Genetics
Classification: Uncertain significance for Hypercholesterolemia, autosomal dominant, type B; Familial hypobetalipoproteinemia 1. Last evaluated: 2021-08-19. Review status: criteria provided, single submitter. Criteria: ACMG Guidelines, 2015. Collection method: clinical testing. Allele origin: unknown.